The following is an entry in ClinVar:

ClinVar aggregate classification (germline): Uncertain significance (1 of 4 stars; one submission).

Submissions (4):

CeGaT Center for Human Genetics Tuebingen
Classification: Uncertain significance. Last evaluated: 2026-02-01. Review status: criteria provided, single submitter. Criteria: CeGaT Center For Human Genetics Tuebingen Variant Classification Criteria Version 2. Collection method: clinical testing. Allele origin: germline. Affected: yes. Observed: 2 variant alleles.
Comment: CDC42: PM2

Dr. Peter K. Rogan Lab, Western University
No classification provided (evidence only). Condition: Ovarian serous cystadenocarcinoma. Review status: no classification provided. Collection method: in vitro. Allele origin: not applicable. Functional consequence: retained intron. Not counted in ClinVar's aggregate classification.

Dr. Peter K. Rogan Lab, Western University
No classification provided (evidence only). Condition: Ovarian serous cystadenocarcinoma. Review status: no classification provided. Collection method: in vitro. Allele origin: not applicable. Functional consequence: retained intron. Not counted in ClinVar's aggregate classification.

Dr. Peter K. Rogan Lab, Western University
No classification provided (evidence only). Condition: Ovarian serous cystadenocarcinoma. Review status: no classification provided. Collection method: in vitro. Allele origin: not applicable. Functional consequence: retained intron. Not counted in ClinVar's aggregate classification.

NM_001791.4(CDC42):c.486+2T>C

Gene: CDC42 (cell division cycle 42; plus strand). Cytogenetic location: 1p36.12.
Variant type: single nucleotide variant.
Coding change: c.486+2T>C on transcript NM_001791.4 (MANE Select); the canonical splice donor site of the intron after coding-DNA position 486, T replaced by C.
Molecular consequence: splice donor variant.
Genome position (GRCh38, 1-based): chr1:22,086,868, T>C. VCF-style: chr1-22086868-T-C. GRCh37 (hg19) VCF-style: chr1-22413361-T-C.
Other names: NC_000001.10:g.22413361T>C; c.486+2T>C (NM_001039802.2, NM_044472.3).
Identifiers: ClinVar variation 4372598 (VCV004372598.5).